The following is an entry in ClinVar:

ClinVar aggregate classification (germline): Uncertain significance. Review status: criteria provided, multiple submitters, no conflicts (2 of 4 stars). 2 submissions from 2 submitters: Uncertain significance (2). Last evaluated 2025-03-05.

Conditions:
Inborn genetic diseases. Identifiers: MedGen C0950123, MeSH D030342.

gnomAD v4.1: 8 of 1,209,082 alleles (0.00066%); highest among the groups gnomAD compares: African/African-American, 0.0035%; no homozygotes.

Submissions (2):

Ambry Genetics
Classification: Uncertain significance for Inborn genetic diseases. Last evaluated: 2025-03-05. Review status: criteria provided, single submitter. Criteria: Ambry Variant Classification Scheme 2023. Collection method: clinical testing. Allele origin: germline.

Labcorp Genetics (formerly Invitae), Labcorp
Classification: Uncertain significance. Last evaluated: 2024-04-16. Review status: criteria provided, single submitter. Criteria: Invitae Variant Classification Sherloc (09022015). Collection method: clinical testing. Allele origin: germline.
Comment: This sequence change replaces glycine, which is neutral and non-polar, with serine, which is neutral and polar, at codon 437 of the CLCN4 protein (p.Gly437Ser). This variant is present in population databases (rs375397634, gnomAD 0.003%), including at least one homozygous and/or hemizygous individual. This variant has not been reported in the literature in individuals affected with CLCN4-related conditions. Advanced modeling of protein sequence and biophysical properties (such as structural, functional, and spatial information, amino acid conservation, physicochemical variation, residue mobility, and thermodynamic stability) has been performed at Invitae for this missense variant, however the output from this modeling did not meet the statistical confidence thresholds required to predict the impact of this variant on CLCN4 protein function. In summary, the available evidence is currently insufficient to determine the role of this variant in disease. Therefore, it has been classified as a Variant of Uncertain Significance.

NM_001830.4(CLCN4):c.1309G>A (p.Gly437Ser)

Gene: CLCN4 (chloride voltage-gated channel 4; plus strand). Cytogenetic location: Xp22.2.
Variant type: single nucleotide variant.
Coding change: c.1309G>A on transcript NM_001830.4 (MANE Select); coding-DNA position 1309, G replaced by A.
Protein change: p.Gly437Ser; replaces glycine 437 with serine.
Molecular consequence: missense variant.
Genome position (GRCh38, 1-based): chrX:10,208,510, G>A. VCF-style: chrX-10208510-G-A. GRCh37 (hg19) VCF-style: chrX-10176550-G-A.
Other names: c.1309G>A (NM_001830.3); c.1027G>A, p.Gly343Ser (NM_001256944.2); short protein forms G437S, G343S.
Identifiers: ClinVar variation 3666217 (VCV003666217.3).